The following is an entry in ClinVar:

ClinVar aggregate classification (germline): Uncertain significance. Review status: criteria provided, multiple submitters, no conflicts (2 of 4 stars). 3 submissions from 3 submitters: Uncertain significance (3). Last evaluated 2024-04-15.

Conditions:
Inborn genetic diseases. Identifiers: MedGen C0950123, MeSH D030342.
Bardet-Biedl syndrome 20. Identifiers: MedGen C4310707, MONDO:0023670, OMIM 619471, MONDO:0014926.
Retinitis pigmentosa 71 (RP71). Identifiers: Orphanet 791, MedGen C4225342, MONDO:0014618, OMIM 616394.
Short-rib thoracic dysplasia 10 with or without polydactyly (SRTD10). Identifiers: Orphanet 474, MedGen C3810175, MONDO:0014284, OMIM 615630.

Submissions (3):

Fulgent Genetics
Classification: Uncertain significance for Short-rib thoracic dysplasia 10 with or without polydactyly; Retinitis pigmentosa 71; Bardet-Biedl syndrome 20. Last evaluated: 2024-04-15. Review status: criteria provided, single submitter. Criteria: ACMG Guidelines, 2015. Collection method: clinical testing. Allele origin: germline.

Ambry Genetics
Classification: Uncertain significance for Inborn genetic diseases. Last evaluated: 2023-12-12. Review status: criteria provided, single submitter. Criteria: Ambry Variant Classification Scheme 2023. Collection method: clinical testing. Allele origin: germline.

Labcorp Genetics (formerly Invitae), Labcorp
Classification: Uncertain significance for Retinitis pigmentosa 71; Short-rib thoracic dysplasia 10 with or without polydactyly. Last evaluated: 2022-06-25. Review status: criteria provided, single submitter. Criteria: Invitae Variant Classification Sherloc (09022015). Collection method: clinical testing. Allele origin: germline.
Comment: In summary, the available evidence is currently insufficient to determine the role of this variant in disease. Therefore, it has been classified as a Variant of Uncertain Significance. Algorithms developed to predict the effect of missense changes on protein structure and function are either unavailable or do not agree on the potential impact of this missense change (SIFT: "Deleterious"; PolyPhen-2: "Probably Damaging"; Align-GVGD: "Class C0"). ClinVar contains an entry for this variant (Variation ID: 1043819). This variant has not been reported in the literature in individuals affected with IFT172-related conditions. This variant is not present in population databases (gnomAD no frequency). This sequence change replaces glutamic acid, which is acidic and polar, with aspartic acid, which is acidic and polar, at codon 598 of the IFT172 protein (p.Glu598Asp).

NM_015662.3(IFT172):c.1794G>C (p.Glu598Asp)

Gene: IFT172 (intraflagellar transport 172; minus strand). Cytogenetic location: 2p23.3.
Variant type: single nucleotide variant.
Coding change: c.1794G>C on transcript NM_015662.3 (MANE Select); coding-DNA position 1794, G replaced by C.
Protein change: p.Glu598Asp; replaces glutamic acid 598 with aspartic acid.
Molecular consequence: missense variant.
Genome position (GRCh38, 1-based): chr2:27,465,781, C>G on the plus strand (G>C on the coding strand, the complement: IFT172 is on the minus strand). VCF-style: chr2-27465781-C-G. GRCh37 (hg19) VCF-style: chr2-27688648-C-G.
Other names: c.1794G>C (NM_015662.1); short protein forms E598D.
Identifiers: ClinVar variation 1043819 (VCV001043819.8), dbSNP rs147885790, ClinGen allele CA346386956.